The following is an entry in ClinVar:

NM_003200.5(TCF3):c.1080C>T (p.Pro360=)

Gene: TCF3 (transcription factor 3; minus strand). Cytogenetic location: 19p13.3.
Variant type: single nucleotide variant.
Coding change: c.1080C>T on transcript NM_003200.5 (MANE Select); coding-DNA position 1080, C replaced by T.
Protein change: p.Pro360=; no amino-acid change (proline 360 retained).
Molecular consequence: synonymous variant.
Genome position (GRCh38, 1-based): chr19:1,620,981, G>A on the plus strand (C>T on the coding strand, the complement: TCF3 is on the minus strand). VCF-style: chr19-1620981-G-A. GRCh37 (hg19) VCF-style: chr19-1620980-G-A.
Other names: c.1080C>T, p.Pro360= (NM_001136139.4, NM_001351778.2, NM_001351779.2).
Identifiers: ClinVar variation 2648939 (VCV002648939.24), dbSNP rs201663318, ClinGen allele CA504753096.

ClinVar aggregate classification (germline): Likely benign (1 of 4 stars; one submission).

gnomAD v4.1: 4 of 1,513,660 alleles (0.00026%); highest among the groups gnomAD compares: South Asian, 0.0026%; 1 homozygote.

Submission:

CeGaT Center for Human Genetics Tuebingen
Classification: Likely benign. Last evaluated: 2022-04-01. Review status: criteria provided, single submitter. Criteria: CeGaT Center For Human Genetics Tuebingen Variant Classification Criteria Version 2. Collection method: clinical testing. Allele origin: germline. Affected: yes. Observed: 1 variant allele.
Comment: TCF3: BP4, BP7